The following is an entry in ClinVar:

NM_000091.5(COL4A3):c.4089T>A (p.Pro1363=)

Genes: COL4A3 (collagen type IV alpha 3 chain; plus strand), MFF-DT (MFF divergent transcript; minus strand). Cytogenetic location: 2q36.3.
Variant type: single nucleotide variant.
Coding change: c.4089T>A on transcript NM_000091.5 (MANE Select); coding-DNA position 4089, T replaced by A.
Protein change: p.Pro1363=; no amino-acid change (proline 1363 retained).
Molecular consequence: synonymous variant.
Genome position (GRCh38, 1-based): chr2:227,304,080, T>A. VCF-style: chr2-227304080-T-A. GRCh37 (hg19) VCF-style: chr2-228168796-T-A.
Identifiers: ClinVar variation 3345978 (VCV003345978.1).

ClinVar aggregate classification (germline): Likely benign (0 of 4 stars; one submission).

Conditions:
COL4A3-related disorder. Also called: COL4A3-related condition; COL4A3-Related Disorders.

Submission:

PreventionGenetics, part of Exact Sciences
Classification: Likely benign for COL4A3-related condition. Last evaluated: 2024-08-15. Review status: no assertion criteria provided. Collection method: clinical testing. Allele origin: germline.
Comment: This variant is classified as likely benign based on ACMG/AMP sequence variant interpretation guidelines (Richards et al. 2015 PMID: 25741868, with internal and published modifications).